The following is an entry in ClinVar:

NM_004713.6(NEMF):c.235C>T (p.Arg79Ter)

Gene: NEMF (nuclear export mediator factor; minus strand). Cytogenetic location: 14q21.3.
Variant type: single nucleotide variant.
Coding change: c.235C>T on transcript NM_004713.6 (MANE Select); coding-DNA position 235, C replaced by T.
Protein change: p.Arg79Ter; replaces arginine 79 with a stop codon.
Molecular consequence: nonsense.
Genome position (GRCh38, 1-based): chr14:49,846,262, G>A on the plus strand (C>T on the coding strand, the complement: NEMF is on the minus strand). VCF-style: chr14-49846262-G-A. GRCh37 (hg19) VCF-style: chr14-50312980-G-A.
Other names: c.235C>T, p.Arg79Ter (NM_001301732.3); short protein forms R79*.
Identifiers: ClinVar variation 2574740 (VCV002574740.1), dbSNP rs2503365928, ClinGen allele CA389635164.

ClinVar aggregate classification (germline): Likely pathogenic (1 of 4 stars; one submission).

Allele frequency attached by ClinVar (database versions not stated): gnomAD exomes below 0.00001.

Submission:

GeneDx
Classification: Likely pathogenic. Last evaluated: 2023-08-03. Review status: criteria provided, single submitter. Criteria: GeneDx Variant Classification Process June 2021. Collection method: clinical testing. Allele origin: germline. Affected: yes.
Comment: Nonsense variant predicted to result in protein truncation or nonsense mediated decay in a gene for which loss of function is a known mechanism of disease; Not observed at significant frequency in large population cohorts (gnomAD); Has not been previously published as pathogenic or benign to our knowledge